The following is an entry in ClinVar:

NM_001128840.3(CACNA1D):c.4687G>A (p.Glu1563Lys)

Gene: CACNA1D (calcium voltage-gated channel subunit alpha1 D; plus strand). Cytogenetic location: 3p21.1.
Variant type: single nucleotide variant.
Coding change: c.4687G>A on transcript NM_001128840.3 (MANE Select); coding-DNA position 4687, G replaced by A.
Protein change: p.Glu1563Lys; replaces glutamic acid 1563 with lysine.
Molecular consequence: missense variant.
Genome position (GRCh38, 1-based): chr3:53,780,125, G>A. VCF-style: chr3-53780125-G-A. GRCh37 (hg19) VCF-style: chr3-53814152-G-A.
Other names: c.4747G>A, p.Glu1583Lys (NM_000720.4); c.4642G>A, p.Glu1548Lys (NM_001128839.3); short protein forms E1548K, E1563K, E1583K.
Identifiers: ClinVar variation 1435558 (VCV001435558.8), dbSNP rs755747884, ClinGen allele CA2454946.

ClinVar aggregate classification (germline): Uncertain significance (1 of 4 stars; one submission).

Allele frequency attached by ClinVar (database versions not stated): gnomAD 0.00001; TOPMed 0.00001; ExAC 0.00003.
gnomAD v4.1: 24 of 1,609,274 alleles (0.0015%); highest among the groups gnomAD compares: South Asian, 0.0033%; no homozygotes.

Submission:

Labcorp Genetics (formerly Invitae), Labcorp
Classification: Uncertain significance. Last evaluated: 2025-06-23. Review status: criteria provided, single submitter. Criteria: Invitae Variant Classification Sherloc (09022015). Collection method: clinical testing. Allele origin: germline.
Comment: This sequence change replaces glutamic acid, which is acidic and polar, with lysine, which is basic and polar, at codon 1583 of the CACNA1D protein (p.Glu1583Lys). This variant is present in population databases (rs755747884, gnomAD 0.003%). This variant has not been reported in the literature in individuals affected with CACNA1D-related conditions. ClinVar contains an entry for this variant (Variation ID: 1435558). Invitae Evidence Modeling of protein sequence and biophysical properties (such as structural, functional, and spatial information, amino acid conservation, physicochemical variation, residue mobility, and thermodynamic stability) indicates that this missense variant is expected to disrupt CACNA1D protein function with a positive predictive value of 80%. In summary, the available evidence is currently insufficient to determine the role of this variant in disease. Therefore, it has been classified as a Variant of Uncertain Significance.